The following is an entry in ClinVar:

NM_000370.3(TTPA):c.795G>T (p.Lys265Asn)

Gene: TTPA (alpha tocopherol transfer protein; minus strand). Cytogenetic location: 8q12.3.
Variant type: single nucleotide variant.
Coding change: c.795G>T on transcript NM_000370.3 (MANE Select); coding-DNA position 795, G replaced by T.
Protein change: p.Lys265Asn; replaces lysine 265 with asparagine.
Molecular consequence: missense variant. On other transcripts: 3 prime UTR variant (2), non-coding transcript variant (3).
Genome position (GRCh38, 1-based): chr8:63,061,294, C>A on the plus strand (G>T on the coding strand, the complement: TTPA is on the minus strand). VCF-style: chr8-63061294-C-A. GRCh37 (hg19) VCF-style: chr8-63973853-C-A.
Other names: c.447G>T, p.Lys149Asn (NM_001413414.1); c.*52G>T (NM_001413415.1); c.*697G>T (NM_001413416.1); c.336G>T, p.Lys112Asn (NM_001413417.1); c.912G>T, p.Lys304Asn (NM_001413418.1); short protein forms K112N, K265N, K149N, K304N.
Identifiers: ClinVar variation 2955254 (VCV002955254.3), dbSNP rs1218351311, ClinGen allele CA371331696.

ClinVar aggregate classification (germline): Uncertain significance. Review status: criteria provided, multiple submitters, no conflicts (2 of 4 stars). 2 submissions from 2 submitters: Uncertain significance (2). Last evaluated 2024-05-10.

Conditions:
Inborn genetic diseases. Identifiers: MedGen C0950123, MeSH D030342.

Allele frequency attached by ClinVar (database versions not stated): gnomAD exomes below 0.00001; gnomAD 0.00001; TOPMed 0.00002.
gnomAD v4.1: 6 of 1,613,734 alleles (0.00037%); highest among the groups gnomAD compares: Non-Finnish European, 0.00051%; no homozygotes.

Submissions (2):

Ambry Genetics
Classification: Uncertain significance for Inborn genetic diseases. Last evaluated: 2024-05-10. Review status: criteria provided, single submitter. Criteria: Ambry Variant Classification Scheme 2023. Collection method: clinical testing. Allele origin: germline.

Labcorp Genetics (formerly Invitae), Labcorp
Classification: Uncertain significance. Last evaluated: 2023-07-25. Review status: criteria provided, single submitter. Criteria: Invitae Variant Classification Sherloc (09022015). Collection method: clinical testing. Allele origin: germline.
Comment: This sequence change replaces lysine, which is basic and polar, with asparagine, which is neutral and polar, at codon 265 of the TTPA protein (p.Lys265Asn). This variant is present in population databases (no rsID available, gnomAD 0.0009%). This variant has not been reported in the literature in individuals affected with TTPA-related conditions. Advanced modeling of protein sequence and biophysical properties (such as structural, functional, and spatial information, amino acid conservation, physicochemical variation, residue mobility, and thermodynamic stability) performed at Invitae indicates that this missense variant is not expected to disrupt TTPA protein function. In summary, the available evidence is currently insufficient to determine the role of this variant in disease. Therefore, it has been classified as a Variant of Uncertain Significance.